The following is an entry in ClinVar:

ClinVar aggregate classification (germline): Uncertain significance (1 of 4 stars; one submission).

Conditions:
Tatton-Brown-Rahman overgrowth syndrome. Also called: Tatton-Brown-Rahman syndrome; Tall stature-intellectual disability-facial dysmorphism syndrome. Identifiers: Orphanet 404443, MedGen C4014545, MONDO:0014382, OMIM 615879.

Allele frequency attached by ClinVar (database versions not stated): gnomAD 0.00001; gnomAD exomes 0.00001; ExAC 0.00003.

Submission:

Labcorp Genetics (formerly Invitae), Labcorp
Classification: Uncertain significance for Tatton-Brown-Rahman overgrowth syndrome. Last evaluated: 2023-07-25. Review status: criteria provided, single submitter. Criteria: Invitae Variant Classification Sherloc (09022015). Collection method: clinical testing. Allele origin: germline.
Comment: This sequence change replaces arginine, which is basic and polar, with cysteine, which is neutral and slightly polar, at codon 38 of the DNMT3A protein (p.Arg38Cys). This variant is present in population databases (rs779208522, gnomAD 0.02%). This variant has not been reported in the literature in individuals affected with DNMT3A-related conditions. An algorithm developed to predict the effect of missense changes on protein structure and function (PolyPhen-2) suggests that this variant is likely to be tolerated. In summary, the available evidence is currently insufficient to determine the role of this variant in disease. Therefore, it has been classified as a Variant of Uncertain Significance.

NM_022552.5(DNMT3A):c.112C>T (p.Arg38Cys)

Gene: DNMT3A (DNA methyltransferase 3 alpha; minus strand). Cytogenetic location: 2p23.3.
Variant type: single nucleotide variant.
Coding change: c.112C>T on transcript NM_022552.5 (MANE Select); coding-DNA position 112, C replaced by T.
Protein change: p.Arg38Cys; replaces arginine 38 with cysteine.
Molecular consequence: missense variant. On other transcripts: non-coding transcript variant (1).
Genome position (GRCh38, 1-based): chr2:25,300,204, G>A on the plus strand (C>T on the coding strand, the complement: DNMT3A is on the minus strand). VCF-style: chr2-25300204-G-A. GRCh37 (hg19) VCF-style: chr2-25523073-G-A.
Other names: c.112C>T, p.Arg38Cys (NM_001320892.2, NM_175629.2, NM_175630.1); short protein forms R38C.
Identifiers: ClinVar variation 2730678 (VCV002730678.3), dbSNP rs779208522, ClinGen allele CA1556549.